The following is an entry in ClinVar:

ClinVar aggregate classification (germline): Uncertain significance (1 of 4 stars; one submission).

Conditions:
Familial adenomatous polyposis 1 (FAP1). Also called: FAMILIAL ADENOMATOUS POLYPOSIS 1, ATTENUATED; POLYPOSIS, ADENOMATOUS INTESTINAL. Identifiers: MedGen C2713442, MONDO:0021056, OMIM 175100. Disease mechanism: loss of function.

Submission:

Labcorp Genetics (formerly Invitae), Labcorp
Classification: Uncertain significance for Familial adenomatous polyposis 1. Last evaluated: 2020-02-25. Review status: criteria provided, single submitter. Criteria: Invitae Variant Classification Sherloc (09022015). Collection method: clinical testing. Allele origin: germline.
Comment: Algorithms developed to predict the effect of missense changes on protein structure and function are either unavailable or do not agree on the potential impact of this missense change (SIFT: "Tolerated"; PolyPhen-2: "Possibly Damaging"; Align-GVGD: "Class C0"). This sequence change replaces asparagine with histidine at codon 1667 of the APC protein (p.Asn1667His). The asparagine residue is highly conserved and there is a small physicochemical difference between asparagine and histidine. This variant is not present in population databases (ExAC no frequency). This variant has not been reported in the literature in individuals with APC-related conditions. In summary, the available evidence is currently insufficient to determine the role of this variant in disease. Therefore, it has been classified as a Variant of Uncertain Significance.

NM_000038.6(APC):c.4999A>C (p.Asn1667His)

Gene: APC (APC regulator of Wnt signaling pathway; plus strand). Cytogenetic location: 5q22.2.
Variant type: single nucleotide variant.
Coding change: c.4999A>C on transcript NM_000038.6 (MANE Select); coding-DNA position 4999, A replaced by C.
Protein change: p.Asn1667His; replaces asparagine 1667 with histidine.
Molecular consequence: missense variant.
Genome position (GRCh38, 1-based): chr5:112,840,593, A>C. VCF-style: chr5-112840593-A-C. GRCh37 (hg19) VCF-style: chr5-112176290-A-C.
Other names: c.4696A>C, p.Asn1566His (NM_001354903.2); c.4621A>C, p.Asn1541His (NM_001354904.2); c.4519A>C, p.Asn1507His (NM_001354905.2); c.4150A>C, p.Asn1384His (NM_001354906.2); c.4999A>C, p.Asn1667His (NM_001354895.2, NM_001127510.3); c.5053A>C, p.Asn1685His (NM_001354896.2); c.5029A>C, p.Asn1677His (NM_001354897.2); c.4924A>C, p.Asn1642His (NM_001354898.2); and 5 more; short protein forms N1626H, N1649H, N1541H, N1566H, N1576H, N1642H, N1685H, N1384H.
Identifiers: ClinVar variation 1036085 (VCV001036085.48), dbSNP rs775241441, ClinGen allele CA16032269.